The following is an entry in ClinVar:

NM_001171613.2(PREPL):c.1038C>G (p.Asp346Glu)

Gene: PREPL (prolyl endopeptidase like; minus strand). Cytogenetic location: 2p21.
Variant type: single nucleotide variant.
Coding change: c.1038C>G on transcript NM_001171613.2 (MANE Select); coding-DNA position 1038, C replaced by G.
Protein change: p.Asp346Glu; replaces aspartic acid 346 with glutamic acid.
Molecular consequence: missense variant. On other transcripts: intron variant (1).
Genome position (GRCh38, 1-based): chr2:44,332,507, G>C on the plus strand (C>G on the coding strand, the complement: PREPL is on the minus strand). VCF-style: chr2-44332507-G-C. GRCh37 (hg19) VCF-style: chr2-44559646-G-C.
Other names: c.1119C>G, p.Asp373Glu (NM_001042385.2); c.1305C>G, p.Asp435Glu (NM_001171603.1, NM_001171606.2, NM_001374275.1 and 2 more transcripts); c.1038C>G, p.Asp346Glu (NM_001171617.1, NM_001374277.1); c.1156-3395C>G (NM_001042386.2); short protein forms D346E, D373E, D435E.
Identifiers: ClinVar variation 998718 (VCV000998718.8), dbSNP rs1674223059, ClinGen allele CA346691030.
Genomic context (GRCh38, chr2:44,332,507, plus strand): 5'-TATAAGACCTACCTTGCTTTTGGCTTCTAGACGTAAAACGCGACTAGTCTTTGTGATTGG[G>C]TCTTCATGCCCAGTTTCCTCAAACAGTTTGCCTTCTGCAAACTTGTATGTGTAATATTTT-3'
Protein context (NP_001165084.1, residues 336-356): GKLFEETGHE[Asp346Glu]PITKTSRVLR

ClinVar aggregate classification (germline): Uncertain significance (1 of 4 stars; one submission).

Conditions:
Myasthenic syndrome, congenital, 22 (CMS22). Also called: PREPL DEFICIENCY. Identifiers: MedGen C4479088, MONDO:0044299, OMIM 616224.

Allele frequency attached by ClinVar (database versions not stated): gnomAD exomes below 0.00001.
gnomAD v4.1: 1 of 1,614,066 alleles (0.000062%); highest among the groups gnomAD compares: African/African-American, 0.0013%; no homozygotes.

Submission:

Labcorp Genetics (formerly Invitae), Labcorp
Classification: Uncertain significance for Myasthenic syndrome, congenital, 22. Last evaluated: 2020-10-28. Review status: criteria provided, single submitter. Criteria: Invitae Variant Classification Sherloc (09022015). Collection method: clinical testing. Allele origin: germline.
Comment: In summary, the available evidence is currently insufficient to determine the role of this variant in disease. Therefore, it has been classified as a Variant of Uncertain Significance. Algorithms developed to predict the effect of missense changes on protein structure and function output the following: SIFT: "Tolerated"; PolyPhen-2: "Benign"; Align-GVGD: "Class C0". The glutamic acid amino acid residue is found in multiple mammalian species, suggesting that this missense change does not adversely affect protein function. These predictions have not been confirmed by published functional studies and their clinical significance is uncertain. This variant has not been reported in the literature in individuals with PREPL-related conditions. This variant is not present in population databases (ExAC no frequency). This sequence change replaces aspartic acid with glutamic acid at codon 435 of the PREPL protein (p.Asp435Glu). The aspartic acid residue is moderately conserved and there is a small physicochemical difference between aspartic acid and glutamic acid.